The following is an entry in ClinVar:

ClinVar aggregate classification (germline): Pathogenic. Review status: criteria provided, single submitter (1 of 4 stars). 3 submissions from 3 submitters: Pathogenic (1). 2 of the submissions do not count toward it. Last evaluated 2023-07-20.

Conditions:
Irido-corneo-trabecular dysgenesis (ASGD5). Also called: ANTERIOR SEGMENT DYSGENESIS 5. Identifiers: Orphanet 708, MedGen C0344559, MONDO:0011414, OMIM 604229, HP:0000659.
Aniridia 1 (AN1). Identifiers: Orphanet 250923, MedGen C0344542, MONDO:0024507, OMIM 106210.

Submissions (3):

Labcorp Genetics (formerly Invitae), Labcorp
Classification: Pathogenic for Aniridia 1; Irido-corneo-trabecular dysgenesis. Last evaluated: 2023-07-20. Review status: criteria provided, single submitter. Criteria: Invitae Variant Classification Sherloc (09022015). Collection method: clinical testing. Allele origin: germline.
Comment: This variant has been observed in individual(s) with aniridia (PMID: 32214788, 32360764). In at least one individual the variant was observed to be de novo. This variant is not present in population databases (gnomAD no frequency). This variant occurs in a non-coding region of the PAX6 gene. It does not change the encoded amino acid sequence of the PAX6 protein. It affects a nucleotide within the consensus splice site. Variants that disrupt the consensus splice site are a relatively common cause of aberrant splicing (PMID: 17576681, 9536098). Algorithms developed to predict the effect of sequence changes on RNA splicing suggest that this variant may disrupt the consensus splice site. ClinVar contains an entry for this variant (Variation ID: 3482). This variant is also known as IVS2+2T>A. For these reasons, this variant has been classified as Pathogenic.

Wessex Regional Genetics Laboratory, Salisbury District Hospital
Classification: Pathogenic for Aniridia 1. Last evaluated: 2019-08-15. Review status: no assertion criteria provided. Criteria: ACMG Guidelines, 2015. Collection method: clinical testing. Allele origin: de novo. Inheritance: Autosomal dominant inheritance. Affected: yes. Not counted in ClinVar's aggregate classification.

OMIM
Classification: Pathogenic for ANIRIDIA. Last evaluated: 2006-12-01. Review status: no assertion criteria provided. Collection method: literature only. Allele origin: germline. Not counted in ClinVar's aggregate classification.

Literature cited by the submitters: PubMed 32214788 (cited by Labcorp Genetics (formerly Invitae), Labcorp); PubMed 32360764 (cited by Labcorp Genetics (formerly Invitae), Labcorp); PubMed 17576681 (cited by Labcorp Genetics (formerly Invitae), Labcorp); PubMed 9536098 (cited by Labcorp Genetics (formerly Invitae), Labcorp); PubMed 17148041 (cited by OMIM).

NM_001368894.2(PAX6):c.-129+2T>A

Gene: PAX6 (paired box 6; minus strand). Cytogenetic location: 11p13.
Variant type: single nucleotide variant.
Coding change: c.-129+2T>A on transcript NM_001368894.2 (MANE Select); the canonical splice donor site of the intron after 129 bases upstream of the start codon, T replaced by A.
Molecular consequence: splice donor variant.
Genome position (GRCh38, 1-based): chr11:31,810,826, A>T on the plus strand (T>A on the coding strand, the complement: PAX6 is on the minus strand). VCF-style: chr11-31810826-A-T. GRCh37 (hg19) VCF-style: chr11-31832374-A-T.
Other names: IVS2DS, T-A, +2; c.-129+2T>A (NM_001127612.3, NM_001368921.2, NM_001368923.2 and 26 more transcripts); c.-29+2T>A (NM_001368910.2); c.-268+2T>A (NM_001368909.2); c.13+2T>A (NM_001368911.2); c.-406+2T>A (NM_001368904.2); c.-910+2T>A (NM_001368905.2).
Identifiers: ClinVar variation 3482 (VCV000003482.6), dbSNP rs878852979, ClinGen allele CA10575482.